The following is an entry in ClinVar:

NM_001114753.3(ENG):c.917_918del (p.Leu306fs)

Gene: ENG (endoglin; minus strand). Cytogenetic location: 9q34.11.
Variant type: Deletion.
Coding change: c.917_918del on transcript NM_001114753.3 (MANE Select); coding-DNA positions 917 to 918, 2 bases deleted (TC; older notation c.917_918delTC).
Protein change: p.Leu306fs; shifts the reading frame from leucine 306.
Molecular consequence: frameshift variant.
Genome position (GRCh38, 1-based): chr9:127,824,873-127,824,874, GA deleted on the plus strand (TC on the coding strand, the reverse complement: ENG is on the minus strand); deleting any 2 consecutive bases within chr9:127,824,873-127,824,875 gives the same sequence; the c. name uses the placement nearest the transcript's 3' end. VCF-style (leftmost placement, unchanged base first): chr9-127824872-TGA-T. GRCh37 (hg19) VCF-style: chr9-130587151-TGA-T.
Other names: c.916_917delCT, p.Leu306Glnfs (NM_000118.4, NM_001406715.1); c.371_372del, p.Leu124fs (NM_001278138.2); short protein forms L124fs, L306fs.
Identifiers: ClinVar variation 1766049 (VCV001766049.2), dbSNP rs2539072924, ClinGen allele CA2580079637.
Genomic context (GRCh38, chr9:127,824,872, plus strand): 5'-CATGAAGTGAGACAATGCTGGCCAGCGGTAGCTCCACGAAGGATGCCACAATGCTGGCAT[TGA>T]GCATCCGGGCCTCCCCCAGGAGGCCTTGAGGTGTGTCTGGGAGCTTGAAGCCACGAATGT-3'

ClinVar aggregate classification (germline): Pathogenic (1 of 4 stars; one submission).

Conditions:
Cardiovascular phenotype. Identifiers: MedGen CN230736.

Submission:

Ambry Genetics
Classification: Pathogenic for Cardiovascular phenotype. Last evaluated: 2018-11-28. Review status: criteria provided, single submitter. Criteria: Ambry Variant Classification Scheme 2023. Collection method: clinical testing. Allele origin: germline.
Comment: The c.917_918delTC pathogenic mutation, located in coding exon 7 of the ENG gene, results from a deletion of two nucleotides at nucleotide positions 917 to 918, causing a translational frameshift with a predicted alternate stop codon (p.L306Qfs*27). This alteration is expected to result in loss of function by premature protein truncation or nonsense-mediated mRNA decay. As such, this alteration is interpreted as a disease-causing mutation.